The following is an entry in ClinVar:

NM_000392.5(ABCC2):c.476del (p.Asn159fs)

Gene: ABCC2 (ATP binding cassette subfamily C member 2; plus strand). Cytogenetic location: 10q24.2.
Variant type: Deletion.
Coding change: c.476del on transcript NM_000392.5 (MANE Select); coding-DNA position 476, one base deleted (A; older notation c.476delA).
Protein change: p.Asn159fs; shifts the reading frame from asparagine 159.
Molecular consequence: frameshift variant.
Genome position (GRCh38, 1-based): chr10:99,793,899, A deleted; the last of 2 consecutive A bases (chr10:99,793,898-99,793,899); deleting either gives the same sequence. VCF-style (leftmost placement, unchanged base first): chr10-99793897-CA-C. GRCh37 (hg19) VCF-style: chr10-101553654-CA-C.
Other names: c.476delA (NM_000392.4); c.476del, p.Asn159fs (LRG_1208t1); short protein forms N159fs.
Identifiers: ClinVar variation 501700 (VCV000501700.11), dbSNP rs769798659, ClinGen allele CA5642904.

ClinVar aggregate classification (germline): Pathogenic/Likely pathogenic. Review status: criteria provided, multiple submitters, no conflicts (2 of 4 stars). 3 submissions from 3 submitters: Pathogenic (2); Likely pathogenic (1). Last evaluated 2025-11-18.

Conditions:
ABCC2-related disorder. Also called: ABCC2-related condition.

Submissions (3):

PreventionGenetics, part of Exact Sciences
Classification: Likely pathogenic for ABCC2-related condition. Last evaluated: 2025-11-18. Review status: criteria provided, single submitter. Criteria: ACMG Guidelines, 2015. Collection method: clinical testing. Allele origin: germline.
Comment: The ABCC2 c.476delA variant is predicted to result in a frameshift and premature protein termination (p.Asn159Ilefs*4). To our knowledge, this variant has not been reported in the literature. This variant is reported in 0.0040% of alleles in individuals of African descent in gnomAD. Frameshift variants in ABCC2 are expected to be pathogenic. This variant is interpreted as likely pathogenic.

Labcorp Genetics (formerly Invitae), Labcorp
Classification: Pathogenic. Last evaluated: 2024-01-08. Review status: criteria provided, single submitter. Criteria: Invitae Variant Classification Sherloc (09022015). Collection method: clinical testing. Allele origin: germline.
Comment: This sequence change creates a premature translational stop signal (p.Asn159Ilefs*4) in the ABCC2 gene. It is expected to result in an absent or disrupted protein product. Loss-of-function variants in ABCC2 are known to be pathogenic (PMID: 9185779, 16549534, 16952291). This variant is present in population databases (rs769798659, gnomAD 0.01%). This variant has not been reported in the literature in individuals affected with ABCC2-related conditions. ClinVar contains an entry for this variant (Variation ID: 501700). For these reasons, this variant has been classified as Pathogenic.

Eurofins Ntd Llc (ga)
Classification: Pathogenic. Last evaluated: 2017-05-02. Review status: criteria provided, single submitter. Criteria: EGL Classification Definitions 2015. Collection method: clinical testing. Allele origin: germline. Observed: 2 variant alleles, 2 heterozygotes.

Literature cited by the submitters: PubMed 9185779 (cited by Labcorp Genetics (formerly Invitae), Labcorp); PubMed 16549534 (cited by Labcorp Genetics (formerly Invitae), Labcorp); PubMed 16952291 (cited by Labcorp Genetics (formerly Invitae), Labcorp).